The following is an entry in ClinVar:

NM_001267550.2(TTN):c.97418G>A (p.Arg32473His)

Genes: TTN (titin; minus strand), TTN-AS1 (TTN antisense RNA 1; plus strand). Cytogenetic location: 2q31.2.
Variant type: single nucleotide variant.
Coding change: c.97418G>A on transcript NM_001267550.2 (MANE Select); coding-DNA position 97418, G replaced by A.
Protein change: p.Arg32473His; replaces arginine 32473 with histidine.
Molecular consequence: missense variant. On other transcripts: non-coding transcript variant (1).
Genome position (GRCh38, 1-based): chr2:178,542,338, C>T on the plus strand (G>A on the coding strand, the complement: TTN is on the minus strand). VCF-style: chr2-178542338-C-T. GRCh37 (hg19) VCF-style: chr2-179407065-C-T.
Other names: p.R30832H:CGT>CAT; c.92495G>A, p.Arg30832His (NM_001256850.1); c.89714G>A, p.Arg29905His (NM_133378.4); c.70223G>A, p.Arg23408His (NM_003319.4); c.70598G>A, p.Arg23533His (NM_133432.3); c.70799G>A, p.Arg23600His (NM_133437.4); short protein forms R32473H, R29905H, R30832H, R23408H, R23533H, R23600H.
Identifiers: ClinVar variation 47585 (VCV000047585.24), dbSNP rs397517770, ClinGen allele CA141434.

ClinVar aggregate classification (germline): Conflicting classifications of pathogenicity. Review status: criteria provided, conflicting classifications (1 of 4 stars). 6 submissions from 6 submitters: Uncertain significance (2); Benign (1); Likely benign (3). Last evaluated 2026-09-15.

Conditions:
TTN-related disorder. Also called: TTN-related condition; TTN-related disease; TTN-related disorders.
Autosomal recessive limb-girdle muscular dystrophy type 2J (LGMDR10). Also called: Limb-girdle muscular dystrophy, type 2J; MUSCULAR DYSTROPHY, LIMB-GIRDLE, AUTOSOMAL RECESSIVE 10. Identifiers: Orphanet 140922, MedGen C1837342, MONDO:0012127, OMIM 608807.
Dilated cardiomyopathy 1G (CMD1G). Identifiers: Orphanet 154, MedGen C1858763, MONDO:0011400, OMIM 604145.

Allele frequency attached by ClinVar (database versions not stated): gnomAD 0.00001 and 0.00005; TOPMed 0.00003; gnomAD exomes 0.00010 and 0.00017; ExAC 0.00025; 1000 Genomes Project 0.00060; 1000 Genomes Project 30x 0.00062.
gnomAD v4.1: 151 of 1,613,294 alleles (0.0094%); highest among the groups gnomAD compares: South Asian, 0.15%; 4 homozygotes.

Submissions (6):

PreventionGenetics, part of Exact Sciences
Classification: Uncertain significance for TTN-related condition. Last evaluated: 2026-09-15. Review status: criteria provided, single submitter. Criteria: ACMG Guidelines, 2015. Collection method: clinical testing. Allele origin: germline.
Comment: The TTN c.97418G>A variant is predicted to result in the amino acid substitution p.Arg32473His. This variant has been reported in an individual with hypertrophic cardiomyopathy (described as c.89714G>A, p.Arg29905His in supplement table 2, Burstein et al. 2020. PubMed ID: 32746448). This variant is reported in 0.13% of alleles in individuals of South Asian descent in gnomAD. Although we suspect that this variant may be benign, at this time, the clinical significance of this variant is uncertain due to the absence of conclusive functional and genetic evidence.

Labcorp Genetics (formerly Invitae), Labcorp
Classification: Likely benign for Dilated cardiomyopathy 1G; Autosomal recessive limb-girdle muscular dystrophy type 2J. Last evaluated: 2025-12-16. Review status: criteria provided, single submitter. Criteria: Invitae Variant Classification Sherloc (09022015). Collection method: clinical testing. Allele origin: germline.

Women's Health and Genetics/Laboratory Corporation of America, LabCorp
Classification: Likely benign. Last evaluated: 2023-05-18. Review status: criteria provided, single submitter. Criteria: LabCorp Variant Classification Summary - May 2015. Collection method: clinical testing. Allele origin: germline.
Comment: Variant summary: TTN c.89714G>A (p.Arg29905His) results in a non-conservative amino acid change located in the A-band region of the encoded protein sequence. Five of five in-silico tools predict a damaging effect of the variant on protein function. The variant allele was found at a frequency of 0.00017 in 247808 control chromosomes (gnomAD), predominantly at a frequency of 0.0013 within the South Asian subpopulation in the gnomAD database, including 3 homozygotes. The observed variant frequency within South Asian control individuals in the gnomAD database is approximately 3 fold of the estimated maximal expected allele frequency for a pathogenic variant in TTN causing Dilated Cardiomyopathy (0.00039), strongly suggesting that the variant is a benign polymorphism found primarily in populations of South Asian origin. c.89714G>A has been reported in the literature in one individual affected with Hypertrophic Cardiomyopathy without evidence for causality (Burstein_2021). This report does not provide unequivocal conclusions about association of the variant with Dilated Cardiomyopathy. To our knowledge, no experimental evidence demonstrating an impact on protein function has been reported. The following publication has been ascertained in the context of this evaluation (PMID: 32746448). Four ClinVar submitters have assessed the variant since 2014: one classified the variant as uncertain significance, two as likely benign, and one as benign. Based on the evidence outlined above, the variant was classified as likely benign.

GeneDx
Classification: Likely benign. Last evaluated: 2020-12-16. Review status: criteria provided, single submitter. Criteria: GeneDx Variant Classification Process June 2021. Collection method: clinical testing. Allele origin: germline. Affected: yes.

Laboratory for Molecular Medicine, Mass General Brigham Personalized Medicine
Classification: Benign. Last evaluated: 2019-03-13. Review status: criteria provided, single submitter. Criteria: LMM Criteria. Collection method: clinical testing. Allele origin: germline. Observed: 3 variant alleles.
Comment: The p.Arg29905His variant in TTN is classified as benign because it has been identified in 0.13% (40/30508) of South Asian chromosomes and 3 homozygotes by gnomAD. ACMG/AMP Criteria applied: BA1.

Eurofins Ntd Llc (ga)
Classification: Uncertain significance. Last evaluated: 2018-08-14. Review status: criteria provided, single submitter. Criteria: EGL ClinVar v180209 classification definitions. Collection method: clinical testing. Allele origin: germline. Observed: 3 variant alleles, 3 heterozygotes.

Literature cited by the submitters: PubMed 32746448 (cited by Women's Health and Genetics/Laboratory Corporation of America, LabCorp).